The following is an entry in ClinVar:

ClinVar aggregate classification (germline): Uncertain significance (1 of 4 stars; one submission).

gnomAD v4.1: 2 of 1,614,206 alleles (0.00012%); highest among the groups gnomAD compares: Non-Finnish European, 0.000085%; no homozygotes.

Submission:

GeneDx
Classification: Uncertain significance. Last evaluated: 2023-07-10. Review status: criteria provided, single submitter. Criteria: GeneDx Variant Classification Process June 2021. Collection method: clinical testing. Allele origin: germline. Affected: yes.
Comment: Not observed at significant frequency in large population cohorts (gnomAD); In silico analysis supports that this missense variant has a deleterious effect on protein structure/function; Has not been previously published as pathogenic or benign to our knowledge

NM_021076.4(NEFH):c.1169A>G (p.Asn390Ser)

Gene: NEFH (neurofilament heavy chain; plus strand). Cytogenetic location: 22q12.2.
Variant type: single nucleotide variant.
Coding change: c.1169A>G on transcript NM_021076.4 (MANE Select); coding-DNA position 1169, A replaced by G.
Protein change: p.Asn390Ser; replaces asparagine 390 with serine.
Molecular consequence: missense variant.
Genome position (GRCh38, 1-based): chr22:29,485,808, A>G. VCF-style: chr22-29485808-A-G. GRCh37 (hg19) VCF-style: chr22-29881797-A-G.
Other names: short protein forms N390S.
Identifiers: ClinVar variation 3360518 (VCV003360518.1).